The following is an entry in ClinVar:

ClinVar aggregate classification (germline): Uncertain significance (1 of 4 stars; one submission).

Conditions:
Primary ciliary dyskinesia. Also called: Ciliary dyskinesia. Identifiers: Orphanet 244, MedGen C0008780, MONDO:0016575, HP:0012265.

Submission:

Labcorp Genetics (formerly Invitae), Labcorp
Classification: Uncertain significance for Primary ciliary dyskinesia. Last evaluated: 2022-06-25. Review status: criteria provided, single submitter. Criteria: Invitae Variant Classification Sherloc (09022015). Collection method: clinical testing. Allele origin: germline.
Comment: In summary, the available evidence is currently insufficient to determine the role of this variant in disease. Therefore, it has been classified as a Variant of Uncertain Significance. Experimental studies and prediction algorithms are not available or were not evaluated, and the functional significance of this variant is currently unknown. This variant has not been reported in the literature in individuals affected with DNAI2-related conditions. This variant is present in population databases (rs776613484, gnomAD 0.02%). This variant, c.1651_1653del, results in the deletion of 1 amino acid(s) of the DNAI2 protein (p.Glu551del), but otherwise preserves the integrity of the reading frame.

NM_023036.6(DNAI2):c.1645GAG[2] (p.Glu551del)

Gene: DNAI2 (dynein axonemal intermediate chain 2; plus strand). Cytogenetic location: 17q25.1.
Variant type: Microsatellite.
Coding change: c.1645GAG[2] on transcript NM_023036.6 (MANE Select); two copies in a row of the 3-base unit GAG starting at c.1645; the reference has three copies in a row; one copy, 3 bases deleted.
Protein change: p.Glu551del; deletes glutamic acid 551.
Molecular consequence: inframe deletion.
Genome position (GRCh38, 1-based): chr17:74,312,159-74,312,161, GAG deleted; deleting any 3 consecutive bases within chr17:74,312,153-74,312,161 gives the same sequence; the position shown is the placement nearest the transcript's 3' end. VCF-style (leftmost placement, unchanged base first): chr17-74312152-CGAG-C. GRCh37 (hg19) VCF-style: chr17-72308291-CGAG-C.
Other names: c.1609GAG[2], p.Glu539del (NM_001172810.3); c.1645GAG[2], p.Glu551del (NM_001353167.2); short protein forms E551del, E539del.
Identifiers: ClinVar variation 2144261 (VCV002144261.2), dbSNP rs776613484, ClinGen allele CA8745854.